The following is an entry in ClinVar:

ClinVar aggregate classification (germline): Uncertain significance (1 of 4 stars; one submission).

Submission:

Labcorp Genetics (formerly Invitae), Labcorp
Classification: Uncertain significance. Last evaluated: 2024-11-30. Review status: criteria provided, single submitter. Criteria: Invitae Variant Classification Sherloc (09022015). Collection method: clinical testing. Allele origin: germline.
Comment: This sequence change replaces glutamine, which is neutral and polar, with histidine, which is basic and polar, at codon 722 of the PITPNM3 protein (p.Gln722His). This variant is not present in population databases (gnomAD no frequency). This variant has not been reported in the literature in individuals affected with PITPNM3-related conditions. Invitae Evidence Modeling of protein sequence and biophysical properties (such as structural, functional, and spatial information, amino acid conservation, physicochemical variation, residue mobility, and thermodynamic stability) indicates that this missense variant is not expected to disrupt PITPNM3 protein function with a negative predictive value of 80%. In summary, the available evidence is currently insufficient to determine the role of this variant in disease. Therefore, it has been classified as a Variant of Uncertain Significance.

NM_031220.4(PITPNM3):c.2166G>T (p.Gln722His)

Gene: PITPNM3 (PITPNM family member 3; minus strand). Cytogenetic location: 17p13.2.
Variant type: single nucleotide variant.
Coding change: c.2166G>T on transcript NM_031220.4 (MANE Select); coding-DNA position 2166, G replaced by T.
Protein change: p.Gln722His; replaces glutamine 722 with histidine.
Molecular consequence: missense variant.
Genome position (GRCh38, 1-based): chr17:6,463,872, C>A on the plus strand (G>T on the coding strand, the complement: PITPNM3 is on the minus strand). VCF-style: chr17-6463872-C-A. GRCh37 (hg19) VCF-style: chr17-6367192-C-A.
Other names: c.2058G>T, p.Gln686His (NM_001165966.2); short protein forms Q722H, Q686H.
Identifiers: ClinVar variation 3714182 (VCV003714182.2).